The following is an entry in ClinVar:

ClinVar aggregate classification (germline): Conflicting classifications of pathogenicity. Review status: criteria provided, conflicting classifications (1 of 4 stars). 2 submissions from 2 submitters: Uncertain significance (1); Likely benign (1). Last evaluated 2026-03-01.

Conditions:
Inborn genetic diseases. Identifiers: MedGen C0950123, MeSH D030342.

Allele frequency attached by ClinVar (database versions not stated): 1000 Genomes Project 30x 0.00187; TOPMed 0.00195; 1000 Genomes Project 0.00200; ESP Exome Variant Server 0.00277.
gnomAD v4.1: 4,091 of 1,613,996 alleles (0.25%); highest among the groups gnomAD compares: Non-Finnish European, 0.28%; 11 homozygotes.

Submissions (2):

CeGaT Center for Human Genetics Tuebingen
Classification: Likely benign. Last evaluated: 2026-03-01. Review status: criteria provided, single submitter. Criteria: CeGaT Center For Human Genetics Tuebingen Variant Classification Criteria Version 2. Collection method: clinical testing. Allele origin: germline. Affected: yes. Observed: 5 variant alleles.
Comment: FLG: BP4, BS2

Ambry Genetics
Classification: Uncertain significance for Inborn genetic diseases. Last evaluated: 2021-09-17. Review status: criteria provided, single submitter. Criteria: Ambry Variant Classification Scheme 2023. Collection method: clinical testing. Allele origin: germline.

NM_002016.2(FLG):c.11198G>T (p.Gly3733Val)

Genes: CCDST (cervical cancer associated DHX9 suppressive transcript; plus strand), FLG (filaggrin; minus strand). Cytogenetic location: 1q21.3.
Variant type: single nucleotide variant.
Coding change: c.11198G>T on transcript NM_002016.2 (MANE Select); coding-DNA position 11198, G replaced by T.
Protein change: p.Gly3733Val; replaces glycine 3733 with valine.
Molecular consequence: missense variant.
Genome position (GRCh38, 1-based): chr1:152,303,688, C>A on the plus strand (G>T on the coding strand, the complement: FLG is on the minus strand). VCF-style: chr1-152303688-C-A. GRCh37 (hg19) VCF-style: chr1-152276164-C-A.
Other names: short protein forms G3733V.
Identifiers: ClinVar variation 2406856 (VCV002406856.26), dbSNP rs145299777, ClinGen allele CA1103008.